The following is an entry in ClinVar:

ClinVar aggregate classification (germline): Uncertain significance. Review status: criteria provided, multiple submitters, no conflicts (2 of 4 stars). 3 submissions from 3 submitters: Uncertain significance (3). Last evaluated 2023-04-18.

Conditions:
Inborn genetic diseases. Identifiers: MedGen C0950123, MeSH D030342.
Pelviscapular dysplasia. Identifiers: Orphanet 93333, MedGen C1850040, MONDO:0009845, OMIM 260660.

Allele frequency attached by ClinVar (database versions not stated): TOPMed below 0.00001; gnomAD 0.00001; gnomAD exomes 0.00001 and 0.00003; ExAC 0.00002.
gnomAD v4.1: 9 of 1,614,086 alleles (0.00056%); highest among the groups gnomAD compares: East Asian, 0.016%; no homozygotes.

Submissions (3):

Ambry Genetics
Classification: Uncertain significance for Inborn genetic diseases. Last evaluated: 2023-04-18. Review status: criteria provided, single submitter. Criteria: Ambry Variant Classification Scheme 2023. Collection method: clinical testing. Allele origin: germline.

Genome-Nilou Lab
Classification: Uncertain significance for Pelviscapular dysplasia. Last evaluated: 2023-04-11. Review status: criteria provided, single submitter. Criteria: ACMG Guidelines, 2015. Collection method: clinical testing. Allele origin: germline. Affected: no.

Labcorp Genetics (formerly Invitae), Labcorp
Classification: Uncertain significance. Last evaluated: 2021-07-13. Review status: criteria provided, single submitter. Criteria: Invitae Variant Classification Sherloc (09022015). Collection method: clinical testing. Allele origin: germline.
Comment: In summary, the available evidence is currently insufficient to determine the role of this variant in disease. Therefore, it has been classified as a Variant of Uncertain Significance. Algorithms developed to predict the effect of missense changes on protein structure and function are either unavailable or do not agree on the potential impact of this missense change (SIFT: "Deleterious"; PolyPhen-2: "Probably Damaging"; Align-GVGD: "Class C0"). This variant has not been reported in the literature in individuals affected with TBX15-related conditions. This variant is present in population databases (rs750877260, ExAC 0.02%). This sequence change replaces glutamine with histidine at codon 362 of the TBX15 protein (p.Gln362His). The glutamine residue is highly conserved and there is a small physicochemical difference between glutamine and histidine.

NM_001330677.2(TBX15):c.1404G>C (p.Gln468His)

Gene: TBX15 (T-box transcription factor 15; minus strand). Cytogenetic location: 1p12.
Variant type: single nucleotide variant.
Coding change: c.1404G>C on transcript NM_001330677.2 (MANE Select); coding-DNA position 1404, G replaced by C.
Protein change: p.Gln468His; replaces glutamine 468 with histidine.
Molecular consequence: missense variant.
Genome position (GRCh38, 1-based): chr1:118,885,137, C>G on the plus strand (G>C on the coding strand, the complement: TBX15 is on the minus strand). VCF-style: chr1-118885137-C-G. GRCh37 (hg19) VCF-style: chr1-119427760-C-G.
Other names: c.1086G>C (NM_152380.2); c.1086G>C, p.Gln362His (NM_152380.3); short protein forms Q362H, Q468H.
Identifiers: ClinVar variation 1376334 (VCV001376334.10), dbSNP rs750877260, ClinGen allele CA1034857.